The following is an entry in ClinVar:

NM_000059.4(BRCA2):c.2645T>A (p.Leu882His)

Gene: BRCA2 (BRCA2 DNA repair associated; plus strand). Cytogenetic location: 13q13.1.
Variant type: single nucleotide variant.
Coding change: c.2645T>A on transcript NM_000059.4 (MANE Select); coding-DNA position 2645, T replaced by A.
Protein change: p.Leu882His; replaces leucine 882 with histidine.
Molecular consequence: missense variant. On other transcripts: non-coding transcript variant (1), intron variant (2).
Genome position (GRCh38, 1-based): chr13:32,337,000, T>A. VCF-style: chr13-32337000-T-A. GRCh37 (hg19) VCF-style: chr13-32911137-T-A.
Other names: c.2645T>A, p.Leu882His (NM_001406719.1, NM_001406720.1, NM_001432077.1); c.1909+3613T>A (NM_001406721.1); c.424+5970T>A (NM_001406722.1); short protein forms L882H.
Identifiers: ClinVar variation 4757676 (VCV004757676.1).

ClinVar aggregate classification (germline): Uncertain significance (1 of 4 stars; one submission).

Conditions:
Hereditary cancer-predisposing syndrome. Also called: Tumor predisposition; Hereditary Cancer Syndrome; Neoplastic Syndromes, Hereditary; Hereditary neoplastic syndrome. Identifiers: Orphanet 140162, MedGen C0027672, MeSH D009386, MONDO:0015356.

Submission:

Color Diagnostics, LLC DBA Color Health
Classification: Uncertain significance for Hereditary cancer-predisposing syndrome. Last evaluated: 2025-07-30. Review status: criteria provided, single submitter. Criteria: ACMG Guidelines, 2015. Collection method: clinical testing. Allele origin: germline.
Comment: This missense variant replaces leucine with histidine at codon 882 of the BRCA2 protein. Computational prediction suggests that this variant may not impact protein structure and function. To our knowledge, functional studies have not been reported for this variant. This variant has not been reported in individuals affected with BRCA2-related disorders in the literature. This variant has not been identified in the general population by the Genome Aggregation Database (gnomAD). The available evidence is insufficient to determine the role of this variant in disease conclusively. Therefore, this variant is classified as a Variant of Uncertain Significance.